The following is an entry in ClinVar:

NM_004415.4(DSP):c.7394G>C (p.Arg2465Thr)

Gene: DSP (desmoplakin; plus strand). Cytogenetic location: 6p24.3.
Variant type: single nucleotide variant.
Coding change: c.7394G>C on transcript NM_004415.4 (MANE Select); coding-DNA position 7394, G replaced by C.
Protein change: p.Arg2465Thr; replaces arginine 2465 with threonine.
Molecular consequence: missense variant.
Genome position (GRCh38, 1-based): chr6:7,584,656, G>C. VCF-style: chr6-7584656-G-C. GRCh37 (hg19) VCF-style: chr6-7584889-G-C.
Other names: c.5597G>C, p.Arg1866Thr (NM_001008844.3); c.6065G>C, p.Arg2022Thr (NM_001319034.2); short protein forms R1866T, R2022T, R2465T.
Identifiers: ClinVar variation 3376566 (VCV003376566.1).

ClinVar aggregate classification (germline): Uncertain significance (1 of 4 stars; one submission).

Conditions:
Arrhythmogenic right ventricular dysplasia 8 (ARVD8). Also called: ARRHYTHMOGENIC RIGHT VENTRICULAR DYSPLASIA, FAMILIAL, 8; ARRHYTHMOGENIC RIGHT VENTRICULAR CARDIOMYOPATHY 8; Arrhythmogenic Right Ventricular Dysplasia/Cardiomyopathy 8. Identifiers: MedGen C1843896, MONDO:0011831, OMIM 607450.

Submission:

Victorian Clinical Genetics Services, Murdoch Childrens Research Institute
Classification: Uncertain significance for Arrhythmogenic right ventricular dysplasia 8. Last evaluated: 2020-06-11. Review status: criteria provided, single submitter. Criteria: ACMG Guidelines, 2015. Collection method: clinical testing. Allele origin: germline.
Comment: Based on the classification scheme VCGS_Germline_v1.1.1, this variant is classified as VUS-3B. Following criteria are met: 0102 - Loss of function is a known mechanism of disease for this gene. (N) 0108 - This gene is known to be associated with both recessive and dominant disease. (OMIM) (N) 0112 - Variants in this gene are known to have reduced penetrance (PMID: 29062697). (N) 0200 - Variant is predicted to result in a missense amino acid change from arginine to threonine (exon 24). (N) 0251 - Variant is heterozygous. (N) 0301 - Variant is absent from gnomAD v2 and v3. (P) 0309 - An alternative amino acid change at the same position has been observed in gnomAD v2. p.(Arg2465Gly): 0.0004% (1 heterozygote, 0 homozygotes). (N) 0502 - Missense variant with conflicting in silico predictions and/or uninformative conservation. Moderate amino acid change, high conservation. (N) 0604 - Variant is not located in an established domain, motif, hotspot or informative constraint region. (N) 0705 - No comparable variants have previous evidence for pathogenicity. (N) 0807 - Variant has not previously been reported in a clinical context. (N) 0905 - No segregation evidence has been identified for this variant. (N) 1007 - No published functional evidence has been identified for this variant. (N) 1208 - Inheritance information for this variant is not currently available. (N) Legend: (P) - Pathogenic, (N) - Neutral, (B) - Benign

Literature cited by the submitters: PubMed 29062697.